The following is an entry in ClinVar:

NM_015072.5(TTLL5):c.3505_3522del (p.Ser1169_Gln1174del)

Gene: TTLL5 (tubulin tyrosine ligase like 5; plus strand). Cytogenetic location: 14q24.3.
Variant type: Deletion.
Coding change: c.3505_3522del on transcript NM_015072.5 (MANE Select); coding-DNA positions 3505 to 3522, 18 bases deleted (AGTCGAGCCCGGCACCAG).
Protein change: p.Ser1169_Gln1174del.
Molecular consequence: inframe deletion.
Genome position (GRCh38, 1-based): chr14:75,863,845-75,863,862, AGTCGAGCCCGGCACCAG deleted; deleting any 18 consecutive bases within chr14:75,863,840-75,863,862 gives the same sequence; the c. name uses the placement nearest the transcript's 3' end. VCF-style (leftmost placement, unchanged base first): chr14-75863839-GACCAGAGTCGAGCCCGGC-G. GRCh37 (hg19) VCF-style: chr14-76330182-GACCAGAGTCGAGCCCGGC-G.
Identifiers: ClinVar variation 1053952 (VCV001053952.4), dbSNP rs1390638454, ClinGen allele CA708594688.

ClinVar aggregate classification (germline): Uncertain significance (1 of 4 stars; one submission).

Submission:

Labcorp Genetics (formerly Invitae), Labcorp
Classification: Uncertain significance. Last evaluated: 2022-10-13. Review status: criteria provided, single submitter. Criteria: Invitae Variant Classification Sherloc (09022015). Collection method: clinical testing. Allele origin: germline.
Comment: This variant, c.3505_3522del, results in the deletion of 6 amino acid(s) of the TTLL5 protein (p.Ser1169_Gln1174del), but otherwise preserves the integrity of the reading frame. This variant is not present in population databases (gnomAD no frequency). This variant has not been reported in the literature in individuals affected with TTLL5-related conditions. ClinVar contains an entry for this variant (Variation ID: 1053952). Experimental studies and prediction algorithms are not available or were not evaluated, and the functional significance of this variant is currently unknown. In summary, the available evidence is currently insufficient to determine the role of this variant in disease. Therefore, it has been classified as a Variant of Uncertain Significance.